The following is an entry in ClinVar:

NM_001174147.2(LMX1B):c.668G>A (p.Arg223Gln)

Gene: LMX1B (LIM homeobox transcription factor 1 beta; plus strand). Cytogenetic location: 9q33.3.
Variant type: single nucleotide variant.
Coding change: c.668G>A on transcript NM_001174147.2 (MANE Select); coding-DNA position 668, G replaced by A.
Protein change: p.Arg223Gln; replaces arginine 223 with glutamine.
Molecular consequence: missense variant.
Genome position (GRCh38, 1-based): chr9:126,693,250, G>A. VCF-style: chr9-126693250-G-A. GRCh37 (hg19) VCF-style: chr9-129455529-G-A.
Other names: R200Q; c.668G>A, p.Arg223Gln (NM_001174146.2, NM_002316.4); short protein forms R223Q.
Identifiers: ClinVar variation 7007 (VCV000007007.44), dbSNP rs121909491, ClinGen allele CA254059.
Genomic context (GRCh38, chr9:126,693,250, plus strand): 5'-GCAGTCAGAGCAAGGGCAGCGGGGATGACGGGAAGGACCCGCGGAGGCCCAAGCGACCCC[G>A]GACCATCCTCACCACGCAGCAGCGAAGAGCCTTCAAGGCCTCCTTCGAGGTCTCGTCGAA-3'
Protein context (NP_001167618.1, residues 213-233): GKDPRRPKRP[Arg223Gln]TILTTQQRRA

ClinVar aggregate classification (germline): Pathogenic. Review status: criteria provided, multiple submitters, no conflicts (2 of 4 stars). 11 submissions from 11 submitters: Pathogenic (10). 1 of the submissions does not count toward it. Last evaluated 2025-11-02.

Conditions:
LMX1B-related disorder. Also called: LMX1B-related condition.
Nail-patella-like renal disease. Also called: Focal Segmental Glomerulosclerosis 10; GLOMERULAR BASEMENT MEMBRANE DISEASE, NAIL-PATELLA SYNDROME TYPE. Identifiers: Orphanet 2613, MedGen C0403548, MONDO:0009724, OMIM 256020.
Nail-patella syndrome (NPS). Also called: ONYCHOOSTEODYSPLASIA; FONG DISEASE; TURNER-KIESER SYNDROME. Identifiers: Orphanet 2614, MedGen C0027341, MONDO:0008061, OMIM 161200.

Submissions (11):

Labcorp Genetics (formerly Invitae), Labcorp
Classification: Pathogenic. Last evaluated: 2025-11-02. Review status: criteria provided, single submitter. Criteria: Invitae Variant Classification Sherloc (09022015). Collection method: clinical testing. Allele origin: germline.
Comment: This sequence change replaces arginine, which is basic and polar, with glutamine, which is neutral and polar, at codon 223 of the LMX1B protein (p.Arg223Gln). This variant is not present in population databases (gnomAD no frequency). This missense change has been observed in individual(s) with LMX1B-related conditions (PMID: 9837817, 28780565, 29869118). In at least one individual the variant was observed to be de novo. This variant is also known as c.599G>A, p.Arg200Gln. ClinVar contains an entry for this variant (Variation ID: 7007). Invitae Evidence Modeling of protein sequence and biophysical properties (such as structural, functional, and spatial information, amino acid conservation, physicochemical variation, residue mobility, and thermodynamic stability) indicates that this missense variant is expected to disrupt LMX1B protein function with a positive predictive value of 80%. Experimental studies have shown that this missense change affects LMX1B function (PMID: 9837817). For these reasons, this variant has been classified as Pathogenic.

Variantyx, Inc.
Classification: Pathogenic for Nail-patella syndrome. Last evaluated: 2025-09-18. Review status: criteria provided, single submitter. Criteria: Variantyx Assertion Criteria 2022. Collection method: clinical testing. Allele origin: germline. Inheritance: Autosomal recessive inheritance. Affected: yes.
Comment: This is a nonsynonymous variant in the LMX1B gene (OMIM: 602575). Pathogenic variants in this gene have been associated with autosomal dominant nail-patella syndrome. This variant likely occurred de novo in individuals reported in the published literature; however, the possibility of parental germline mosaicism cannot be excluded (PMID: 9837817) (PS2). Additionally, this variant has been reported as inherited or with unknown inheritance in at least 4 unrelated affected individuals (PMID: 9837817, 28780565, 29869118) (PS4_Moderate). An alternate amino acid change at this position (c.667C>T p.Arg223Trp) has been previously reported in similarly affected individuals, which suggests that this residue is biologically important (PMID: 19194568) (PM5). Multiple computational algorithms predict a deleterious effect for this variant (REVEL score: 0.984) (PP3). This variant is absent from control populations (PM2). Based on the current evidence, this variant is classified as pathogenic for autosomal dominant nail-patella syndrome.

PreventionGenetics, part of Exact Sciences
Classification: Pathogenic for LMX1B-related condition. Last evaluated: 2025-06-19. Review status: criteria provided, single submitter. Criteria: ACMG Guidelines, 2015. Collection method: clinical testing. Allele origin: germline.
Comment: The LMX1B c.668G>A variant is predicted to result in the amino acid substitution p.Arg223Gln. This variant has been reported in multiple unrelated families to be pathogenic for nail-patella syndrome or steroid-resistant nephrotic syndrome (see example: reported as R200Q/G599A in McIntosh et al. 1998. PubMed ID: 9837817; Bezdíčka et al. 2018. PubMed ID: 29869118; Sen et al. 2017. PubMed ID: 28780565; Harita et al. 2020. PubMed ID: 32457516). This variant has not been reported in a large population database, indicating this variant is rare. This variant is interpreted as pathogenic.

Blueprint Genetics
Classification: Pathogenic for LMX1B-related disorders. Last evaluated: 2024-08-16. Review status: criteria provided, single submitter. Criteria: ACMG Guidelines, 2015. Collection method: clinical testing. Allele origin: germline. Affected: yes. Observed: 3 variant alleles.

Fulgent Genetics
Classification: Pathogenic for Nail-patella syndrome; Nail-patella-like renal disease. Last evaluated: 2024-06-19. Review status: criteria provided, single submitter. Criteria: ACMG Guidelines, 2015. Collection method: clinical testing. Allele origin: germline.

CeGaT Center for Human Genetics Tuebingen
Classification: Pathogenic. Last evaluated: 2023-07-01. Review status: criteria provided, single submitter. Criteria: CeGaT Center For Human Genetics Tuebingen Variant Classification Criteria Version 2. Collection method: clinical testing. Allele origin: germline. Affected: yes. Observed: 1 variant allele.
Comment: LMX1B: PM1, PM2, PM5, PS2:Moderate, PP3, PS3:Supporting

GeneDx
Classification: Pathogenic. Last evaluated: 2022-05-10. Review status: criteria provided, single submitter. Criteria: GeneDx Variant Classification Process June 2021. Collection method: clinical testing. Allele origin: germline. Affected: yes.
Comment: In silico analysis, which includes protein predictors and evolutionary conservation, supports a deleterious effect; Not observed in large population cohorts (gnomAD); This variant is associated with the following publications: (PMID: 9837817, 25898926, 29869118, 28780565, 30647093, 32457516, 32604935)

Pediatric Nephrology Laboratory, The University of Tokyo Hospital
Classification: Pathogenic for Nail-patella syndrome. Last evaluated: 2020-03-16. Review status: criteria provided, single submitter. Criteria: ACMG Guidelines, 2015. Collection method: clinical testing. Allele origin: germline. Affected: yes.

Clinical Biomedical Laboratory, Shriners Hospital For Children - Canada
Classification: Pathogenic for Nail-patella syndrome. Review status: criteria provided, single submitter. Criteria: ACMG Guidelines, 2015. Collection method: clinical testing. Allele origin: germline. Affected: yes.
Comment: This variant is predicted to substitute an arginine residue by a glutamin residue in LMX1B. This variant is absent in the Genome Aggregation Database (gnomAD v2.1.1), indicating it is very rare. Computational tools (REVEL: 0.984) suggest that the amino acid change is deleterious to protein function. The gene is associated with Nail-Patella syndrome, which corresponds to the phenotype of the proband. This variant has been reported as a cause of Nail-Patella syndrome in the literature (e.g. PMID 25898926). Based on the ACMG variant interpretation guidelines (criteria: PS3, PM2, PM5, PP2, PP3), the available evidence supports classification of this variant as pathogenic.

Kasturba Medical College, Manipal, Kasturba Medical College, Manipal, Manipal Academy of Higher Education, Manipal, India
Classification: Pathogenic for Nail-patella syndrome. Review status: criteria provided, single submitter. Criteria: ACMG Guidelines, 2015. Collection method: clinical testing. Allele origin: de novo. Inheritance: Autosomal dominant inheritance. Affected: yes.

OMIM
Classification: Pathogenic for NAIL-PATELLA SYNDROME. Last evaluated: 1998-12-01. Review status: no assertion criteria provided. Collection method: literature only. Allele origin: germline. Not counted in ClinVar's aggregate classification.

Literature cited by the submitters: PubMed 9837817 (cited by 4 submitters); PubMed 28780565 (cited by Labcorp Genetics (formerly Invitae), Labcorp and Variantyx, Inc.); PubMed 29869118 (cited by Labcorp Genetics (formerly Invitae), Labcorp and Variantyx, Inc.); PubMed 9590287 (cited by Kasturba Medical College, Manipal, Kasturba Medical College, Manipal, Manipal Academy of Higher Education, Manipal, India).